The following is an entry in ClinVar:

NM_001267550.2(TTN):c.102124A>C (p.Ile34042Leu)

Genes: TTN (titin; minus strand), TTN-AS1 (TTN antisense RNA 1; plus strand). Cytogenetic location: 2q31.2.
Variant type: single nucleotide variant.
Coding change: c.102124A>C on transcript NM_001267550.2 (MANE Select); coding-DNA position 102124, A replaced by C.
Protein change: p.Ile34042Leu; replaces isoleucine 34042 with leucine.
Molecular consequence: missense variant.
Genome position (GRCh38, 1-based): chr2:178,534,491, T>G on the plus strand (A>C on the coding strand, the complement: TTN is on the minus strand). VCF-style: chr2-178534491-T-G. GRCh37 (hg19) VCF-style: chr2-179399218-T-G.
Other names: c.97201A>C, p.Ile32401Leu (NM_001256850.1); c.74929A>C, p.Ile24977Leu (NM_003319.4); c.94420A>C, p.Ile31474Leu (NM_133378.4); c.75304A>C, p.Ile25102Leu (NM_133432.3); c.75505A>C, p.Ile25169Leu (NM_133437.4); short protein forms I25169L, I25102L, I31474L, I24977L, I32401L, I34042L.
Identifiers: ClinVar variation 4787533 (VCV004787533.2).

ClinVar aggregate classification (germline): Uncertain significance. Review status: criteria provided, multiple submitters, no conflicts (2 of 4 stars). 2 submissions from 2 submitters: Uncertain significance (2). Last evaluated 2026-08-01.

Conditions:
Dilated cardiomyopathy 1G (CMD1G). Identifiers: Orphanet 154, MedGen C1858763, MONDO:0011400, OMIM 604145.
Autosomal recessive limb-girdle muscular dystrophy type 2J (LGMDR10). Also called: Limb-girdle muscular dystrophy, type 2J; MUSCULAR DYSTROPHY, LIMB-GIRDLE, AUTOSOMAL RECESSIVE 10. Identifiers: Orphanet 140922, MedGen C1837342, MONDO:0012127, OMIM 608807.

gnomAD v4.1: 11 of 1,613,802 alleles (0.00068%); highest among the groups gnomAD compares: South Asian, 0.012%; no homozygotes.

Submissions (2):

CeGaT Center for Human Genetics Tuebingen
Classification: Uncertain significance. Last evaluated: 2026-08-01. Review status: criteria provided, single submitter. Criteria: CeGaT Center For Human Genetics Tuebingen Variant Classification Criteria Version 2. Collection method: clinical testing. Allele origin: germline. Affected: yes. Observed: 1 variant allele.
Comment: TTN: PM2

Labcorp Genetics (formerly Invitae), Labcorp
Classification: Uncertain significance for Dilated cardiomyopathy 1G; Autosomal recessive limb-girdle muscular dystrophy type 2J. Last evaluated: 2025-08-03. Review status: criteria provided, single submitter. Criteria: Invitae Variant Classification Sherloc (09022015). Collection method: clinical testing. Allele origin: germline.
Comment: This sequence change replaces isoleucine, which is neutral and non-polar, with leucine, which is neutral and non-polar, at codon 34042 of the TTN protein (p.Ile34042Leu). This variant is present in population databases (rs745822255, gnomAD 0.01%). This variant has not been reported in the literature in individuals affected with TTN-related conditions. Experimental studies and prediction algorithms are not available or were not evaluated, and the functional significance of this variant is currently unknown. This variant is located in the M band of TTN (PMID: 25589632). Non-truncating variants in this region may be relevant for neuromuscular disorders, but have not been definitively shown to cause cardiomyopathy (PMID: 23975875). In summary, the available evidence is currently insufficient to determine the role of this variant in disease. Therefore, it has been classified as a Variant of Uncertain Significance.

Literature cited by the submitters: PubMed 25589632 (cited by Labcorp Genetics (formerly Invitae), Labcorp); PubMed 23975875 (cited by Labcorp Genetics (formerly Invitae), Labcorp).